The following is an entry in ClinVar:

NM_000965.5(RARB):c.148A>G (p.Thr50Ala)

Gene: RARB (retinoic acid receptor beta; plus strand). Cytogenetic location: 3p24.2.
Variant type: single nucleotide variant.
Coding change: c.148A>G on transcript NM_000965.5 (MANE Select); coding-DNA position 148, A replaced by G.
Protein change: p.Thr50Ala; replaces threonine 50 with alanine.
Molecular consequence: missense variant. On other transcripts: 5 prime UTR variant (1), non-coding transcript variant (2), intron variant (4).
Genome position (GRCh38, 1-based): chr3:25,428,879, A>G. VCF-style: chr3-25428879-A-G. GRCh37 (hg19) VCF-style: chr3-25470370-A-G.
Other names: c.-189A>G (NM_001290276.2); c.148A>G, p.Thr50Ala (NM_001290277.1); c.179-32314A>G (NM_001290216.3); c.29-32314A>G (NM_001290300.2); c.-180+348A>G (NM_016152.4); c.10+348A>G (NM_001290266.2); c.148A>G (NM_000965.3); short protein forms T50A.
Identifiers: ClinVar variation 391731 (VCV000391731.3), dbSNP rs1057524213, ClinGen allele CA16604403.

ClinVar aggregate classification (germline): Uncertain significance. Review status: criteria provided, multiple submitters, no conflicts (2 of 4 stars). 2 submissions from 2 submitters: Uncertain significance (2). Last evaluated 2023-10-16.

Conditions:
Inborn genetic diseases. Identifiers: MedGen C0950123, MeSH D030342.

Allele frequency attached by ClinVar (database versions not stated): gnomAD exomes below 0.00001; gnomAD 0.00001; TOPMed 0.00001.
gnomAD v4.1: 8 of 1,611,426 alleles (0.0005%); highest among the groups gnomAD compares: African/African-American, 0.0013%; no homozygotes.

Submissions (2):

Ambry Genetics
Classification: Uncertain significance for Inborn genetic diseases. Last evaluated: 2023-10-16. Review status: criteria provided, single submitter. Criteria: Ambry Variant Classification Scheme 2023. Collection method: clinical testing. Allele origin: germline.

GeneDx
Classification: Uncertain significance. Last evaluated: 2016-12-20. Review status: criteria provided, single submitter. Criteria: GeneDx Variant Classification (06012015). Collection method: clinical testing. Allele origin: germline. Affected: yes.
Comment: The T50A variant in the RARB gene has not been reported previously as a pathogenic variant, nor as a benign variant, to our knowledge. The T50A variant was not observed in approximately 6,500 individuals of European and African American ancestry in the NHLBI Exome Sequencing Project, indicating it is not a common benign variant in these populations. The T50A variant is a non-conservative amino acid substitution, which is likely to impact secondary protein structure as these residues differ in polarity, charge, size and/or other properties. This substitution occurs at a position that is conserved in mammals. In silico analysis is inconsistent in its predictions as to whether or not the variant is damaging to the protein structure/function. We interpret T50A as a variant of uncertain significance.